The following is an entry in ClinVar:

NM_001999.4(FBN2):c.8737T>G (p.Ter2913Glu)

Gene: FBN2 (fibrillin 2; minus strand). Cytogenetic location: 5q23.3.
Variant type: single nucleotide variant.
Coding change: c.8737T>G on transcript NM_001999.4 (MANE Select); coding-DNA position 8737, T replaced by G.
Protein change: p.Ter2913Glu.
Molecular consequence: stop lost.
Genome position (GRCh38, 1-based): chr5:128,259,457, A>C on the plus strand (T>G on the coding strand, the complement: FBN2 is on the minus strand). VCF-style: chr5-128259457-A-C. GRCh37 (hg19) VCF-style: chr5-127595149-A-C.
Identifiers: ClinVar variation 2707170 (VCV002707170.3), dbSNP rs2479599645, ClinGen allele CA360743976.

ClinVar aggregate classification (germline): Uncertain significance (1 of 4 stars; one submission).

Conditions:
Congenital contractural arachnodactyly (CCA). Also called: BEALS SYNDROME; Beals-Hecht syndrome; Arthrogryposis, distal, type 9. Identifiers: Orphanet 115, MedGen C0220668, MONDO:0007363, OMIM 121050.

Submission:

Labcorp Genetics (formerly Invitae), Labcorp
Classification: Uncertain significance for Congenital contractural arachnodactyly. Last evaluated: 2024-01-03. Review status: criteria provided, single submitter. Criteria: Invitae Variant Classification Sherloc (09022015). Collection method: clinical testing. Allele origin: germline.
Comment: This sequence change disrupts the translational stop signal of the FBN2 mRNA. It is expected to extend the length of the FBN2 protein by 45 additional amino acid residues. This variant is not present in population databases (gnomAD no frequency). This protein extension has been observed in individual(s) with clinical features of FBN2-related conditions (Invitae). In summary, the available evidence is currently insufficient to determine the role of this variant in disease. Therefore, it has been classified as a Variant of Uncertain Significance.